The following is an entry in ClinVar:

NM_002880.4(RAF1):c.1355C>T (p.Thr452Met)

Gene: RAF1 (Raf-1 proto-oncogene, serine/threonine kinase; minus strand). Cytogenetic location: 3p25.2.
Variant type: single nucleotide variant.
Coding change: c.1355C>T on transcript NM_002880.4 (MANE Select); coding-DNA position 1355, C replaced by T.
Protein change: p.Thr452Met; replaces threonine 452 with methionine.
Molecular consequence: missense variant. On other transcripts: non-coding transcript variant (3).
Genome position (GRCh38, 1-based): chr3:12,590,813, G>A on the plus strand (C>T on the coding strand, the complement: RAF1 is on the minus strand). VCF-style: chr3-12590813-G-A. GRCh37 (hg19) VCF-style: chr3-12632312-G-A.
Other names: c.1415C>T, p.Thr472Met (NM_001354689.3); c.1355C>T, p.Thr452Met (NM_001354690.3); c.1112C>T, p.Thr371Met (NM_001354691.3, NM_001354692.3); c.1256C>T, p.Thr419Met (NM_001354693.3); c.1172C>T, p.Thr391Met (NM_001354694.3); c.1013C>T, p.Thr338Met (NM_001354695.3); short protein forms T452M, T391M, T338M, T371M, T419M, T472M.
Identifiers: ClinVar variation 372553 (VCV000372553.8), dbSNP rs555781462, ClinGen allele CA2259532.

ClinVar aggregate classification (germline): Uncertain significance. Review status: criteria provided, multiple submitters, no conflicts (2 of 4 stars). 3 submissions from 3 submitters: Uncertain significance (3). Last evaluated 2025-08-09.

Conditions:
RASopathy. Also called: Noonan spectrum disorder; rasopathies. Identifiers: Orphanet 536391, MedGen C5555857, MONDO:0021060.
Cardiovascular phenotype. Identifiers: MedGen CN230736.

Allele frequency attached by ClinVar (database versions not stated): TOPMed 0.00002; gnomAD 0.00003 and 0.00001; gnomAD exomes 0.00004 and 0.00001; ExAC 0.00006; 1000 Genomes Project 30x 0.00047; 1000 Genomes Project 0.00060.
gnomAD v4.1: 27 of 1,613,458 alleles (0.0017%); highest among the groups gnomAD compares: South Asian, 0.02%; no homozygotes.

Submissions (3):

Labcorp Genetics (formerly Invitae), Labcorp
Classification: Uncertain significance for RASopathy. Last evaluated: 2025-08-09. Review status: criteria provided, single submitter. Criteria: Invitae Variant Classification Sherloc (09022015). Collection method: clinical testing. Allele origin: germline.
Comment: This sequence change replaces threonine, which is neutral and polar, with methionine, which is neutral and non-polar, at codon 452 of the RAF1 protein (p.Thr452Met). This variant is present in population databases (rs555781462, gnomAD 0.01%). This variant has not been reported in the literature in individuals affected with RAF1-related conditions. ClinVar contains an entry for this variant (Variation ID: 372553). Invitae Evidence Modeling of protein sequence and biophysical properties (such as structural, functional, and spatial information, amino acid conservation, physicochemical variation, residue mobility, and thermodynamic stability) indicates that this missense variant is expected to disrupt RAF1 protein function with a positive predictive value of 95%. In summary, the available evidence is currently insufficient to determine the role of this variant in disease. Therefore, it has been classified as a Variant of Uncertain Significance.

Ambry Genetics
Classification: Uncertain significance for Cardiovascular phenotype. Last evaluated: 2024-11-12. Review status: criteria provided, single submitter. Criteria: Ambry Variant Classification Scheme 2023. Collection method: clinical testing. Allele origin: germline.
Comment: The p.T452M variant (also known as c.1355C>T), located in coding exon 11 of the RAF1 gene, results from a C to T substitution at nucleotide position 1355. The threonine at codon 452 is replaced by methionine, an amino acid with similar properties. This amino acid position is highly conserved in available vertebrate species. In addition, this alteration is predicted to be deleterious by in silico analysis. Based on the available evidence, the clinical significance of this variant remains unclear.

GeneDx
Classification: Uncertain significance. Last evaluated: 2015-11-17. Review status: criteria provided, single submitter. Criteria: GeneDx Variant Classification (06012015). Collection method: clinical testing. Allele origin: germline. Affected: yes.
Comment: The T452M variant has not been published as a pathogenic variant, nor has it been reported as a benign variant to our knowledge. The T452M variant is a non-conservative amino acid substitution, which is likely to impact secondary protein structure as these residues differ in polarity, charge, size and/or other properties. This substitution occurs at a position that is conserved across species and in silico analysis predicts this variant is probably damaging to the protein structure/function. However, only one missense variant in a nearby residue (I448V) has been reported in the Human Gene Mutation Database in association with acute myeloid leukemia (Stenson et al., 2014), indicating that this region of the gene is not known to harbor many disease-causing variants. Furthermore, the 1000 Genomes Project reports T452M was observed in 3/978 (0.3%) alleles from individuals of South Asian ancestry, indicating it may be a rare (benign) variant in this population.Therefore, based on the currently available information, it is unclear whether this variant is pathogenic or rare benign.